The following is an entry in ClinVar:

NM_032578.4(MYPN):c.2134G>T (p.Ala712Ser)

Gene: MYPN (myopalladin; plus strand). Cytogenetic location: 10q21.3.
Variant type: single nucleotide variant.
Coding change: c.2134G>T on transcript NM_032578.4 (MANE Select); coding-DNA position 2134, G replaced by T.
Protein change: p.Ala712Ser; replaces alanine 712 with serine.
Molecular consequence: missense variant. On other transcripts: non-coding transcript variant (2).
Genome position (GRCh38, 1-based): chr10:68,174,226, G>T. VCF-style: chr10-68174226-G-T. GRCh37 (hg19) VCF-style: chr10-69933983-G-T.
Other names: c.2134G>T (NM_032578.2); c.2134G>T, p.Ala712Ser (NM_001256267.2); c.1252G>T, p.Ala418Ser (NM_001256268.2); short protein forms A712S, A418S.
Identifiers: ClinVar variation 2170141 (VCV002170141.5), dbSNP rs876657921, ClinGen allele CA376844714.

ClinVar aggregate classification (germline): Uncertain significance. Review status: criteria provided, multiple submitters, no conflicts (2 of 4 stars). 2 submissions from 2 submitters: Uncertain significance (2). Last evaluated 2025-04-07.

Conditions:
Dilated cardiomyopathy 1KK (CMD1KK). Identifiers: Orphanet 154, Orphanet 75249, MedGen C3714995, MONDO:0014100, OMIM 615248.
Cardiovascular phenotype. Identifiers: MedGen CN230736.

gnomAD v4.1: 4 of 1,613,968 alleles (0.00025%); highest among the groups gnomAD compares: South Asian, 0.0011%; no homozygotes.

Submissions (2):

Ambry Genetics
Classification: Uncertain significance for Cardiovascular phenotype. Last evaluated: 2025-04-07. Review status: criteria provided, single submitter. Criteria: Ambry Variant Classification Scheme 2023. Collection method: clinical testing. Allele origin: germline.
Comment: The p.A712S variant (also known as c.2134G>T), located in coding exon 10 of the MYPN gene, results from a G to T substitution at nucleotide position 2134. The alanine at codon 712 is replaced by serine, an amino acid with similar properties. This amino acid position is conserved. In addition, this alteration is predicted to be tolerated by in silico analysis. Based on the available evidence, the clinical significance of this variant remains unclear.

Labcorp Genetics (formerly Invitae), Labcorp
Classification: Uncertain significance for Dilated cardiomyopathy 1KK. Last evaluated: 2022-06-10. Review status: criteria provided, single submitter. Criteria: Invitae Variant Classification Sherloc (09022015). Collection method: clinical testing. Allele origin: germline.
Comment: In summary, the available evidence is currently insufficient to determine the role of this variant in disease. Therefore, it has been classified as a Variant of Uncertain Significance. Algorithms developed to predict the effect of missense changes on protein structure and function output the following: SIFT: "Tolerated"; PolyPhen-2: "Benign"; Align-GVGD: "Class C0". The serine amino acid residue is found in multiple mammalian species, which suggests that this missense change does not adversely affect protein function. This variant has not been reported in the literature in individuals affected with MYPN-related conditions. This variant is not present in population databases (gnomAD no frequency). This sequence change replaces alanine, which is neutral and non-polar, with serine, which is neutral and polar, at codon 712 of the MYPN protein (p.Ala712Ser).